The following is an entry in ClinVar:

ClinVar aggregate classification (germline): Pathogenic (1 of 4 stars; one submission).

Conditions:
Cardiovascular phenotype. Identifiers: MedGen CN230736.
Hereditary cancer-predisposing syndrome. Also called: Hereditary neoplastic syndrome; Neoplastic Syndromes, Hereditary; Tumor predisposition; Hereditary Cancer Syndrome. Identifiers: Orphanet 140162, MedGen C0027672, MeSH D009386, MONDO:0015356.

Submission:

Ambry Genetics
Classification: Pathogenic for Cardiovascular phenotype; Hereditary cancer-predisposing syndrome. Last evaluated: 2025-09-10. Review status: criteria provided, single submitter. Criteria: Ambry Variant Classification Scheme 2023. Collection method: clinical testing. Allele origin: germline.
Comment: The c.1971_1977dupTCTCCGG pathogenic mutation, located in coding exon 17 of the NF1 gene, results from a duplication of TCTCCGG at nucleotide position 1971, causing a translational frameshift with a predicted alternate stop codon (p.K660Sfs*12). This variant is considered to be rare based on population cohorts in the Genome Aggregation Database (gnomAD). This alteration is expected to result in loss of function by premature protein truncation or nonsense-mediated mRNA decay. As such, this alteration is interpreted as a disease-causing mutation.

NM_001042492.3(NF1):c.1971_1977dup (p.Lys660fs)

Gene: NF1 (neurofibromin 1; plus strand). Cytogenetic location: 17q11.2.
Variant type: Duplication.
Coding change: c.1971_1977dup on transcript NM_001042492.3 (MANE Select); coding-DNA positions 1971 to 1977, 7 bases duplicated (TCTCCGG; older notation c.1971_1977dupTCTCCGG).
Protein change: p.Lys660fs; shifts the reading frame from lysine 660.
Molecular consequence: frameshift variant.
Genome position (GRCh38, 1-based): chr17:31,225,220-31,225,226, TCTCCGG duplicated. VCF-style (leftmost placement, unchanged base first): chr17-31225219-C-CTCTCCGG. GRCh37 (hg19) VCF-style: chr17-29552237-C-CTCTCCGG.
Other names: c.1971_1977dupTCTCCGG (NM_000267.3); c.1971_1977dup, p.Lys660fs (NM_000267.4); short protein forms K660fs.
Identifiers: ClinVar variation 4119189 (VCV004119189.1).
Genomic context (GRCh38, chr17:31,225,219, plus strand): 5'-GTGGAAATACCAGTCAAATGTCCATGGATCATGAAGAATTACTACGTACTCCTGGAGCCT[C>CTCTCCGG]TCTCCGGAAGGGAAAAGGGAACTCCTCTATGGTCAGCTTCTTCTGTACTTTTTCTGTATC-3'